The following is an entry in ClinVar:

ClinVar aggregate classification (germline): Uncertain significance. Review status: criteria provided, multiple submitters, no conflicts (2 of 4 stars). 2 submissions from 2 submitters: Uncertain significance (2). Last evaluated 2024-12-22.

Conditions:
Cystic fibrosis (CF). Also called: MUCOVISCIDOSIS. Identifiers: Orphanet 586, MedGen C0010674, MONDO:0009061, OMIM 219700. Disease mechanism: loss of function.

Submissions (2):

Ambry Genetics
Classification: Uncertain significance for Cystic fibrosis. Last evaluated: 2024-12-22. Review status: criteria provided, single submitter. Criteria: Ambry Variant Classification Scheme 2023. Collection method: clinical testing. Allele origin: germline.
Comment: The p.Y385N variant (also known as c.1153T>A), located in coding exon 9 of the CFTR gene, results from a T to A substitution at nucleotide position 1153. The tyrosine at codon 385 is replaced by asparagine, an amino acid with dissimilar properties. This amino acid position is conserved. In addition, this alteration is predicted to be deleterious by in silico analysis. Based on the available evidence, the clinical significance of this variant remains unclear.

Labcorp Genetics (formerly Invitae), Labcorp
Classification: Uncertain significance for Cystic fibrosis. Last evaluated: 2022-03-26. Review status: criteria provided, single submitter. Criteria: Invitae Variant Classification Sherloc (09022015). Collection method: clinical testing. Allele origin: germline.
Comment: This sequence change replaces tyrosine, which is neutral and polar, with asparagine, which is neutral and polar, at codon 385 of the CFTR protein (p.Tyr385Asn). This variant is not present in population databases (gnomAD no frequency). This variant has not been reported in the literature in individuals affected with CFTR-related conditions. Algorithms developed to predict the effect of missense changes on protein structure and function are either unavailable or do not agree on the potential impact of this missense change (SIFT: "Deleterious"; PolyPhen-2: "Benign"; Align-GVGD: "Class C0"). In summary, the available evidence is currently insufficient to determine the role of this variant in disease. Therefore, it has been classified as a Variant of Uncertain Significance.

NM_000492.4(CFTR):c.1153T>A (p.Tyr385Asn)

Gene: CFTR (CF transmembrane conductance regulator; plus strand). Cytogenetic location: 7q31.2.
Variant type: single nucleotide variant.
Coding change: c.1153T>A on transcript NM_000492.4 (MANE Select); coding-DNA position 1153, T replaced by A.
Protein change: p.Tyr385Asn; replaces tyrosine 385 with asparagine.
Molecular consequence: missense variant.
Genome position (GRCh38, 1-based): chr7:117,542,052, T>A. VCF-style: chr7-117542052-T-A. GRCh37 (hg19) VCF-style: chr7-117182106-T-A.
Other names: short protein forms Y385N.
Identifiers: ClinVar variation 1896675 (VCV001896675.6), dbSNP rs1799062001, ClinGen allele CA368979998.
Genomic context (GRCh38, chr7:117,542,052, plus strand): 5'-GTTTTTGCTCTCTTTTATAAATAGGATTTCTTACAAAAGCAAGAATATAAGACATTGGAA[T>A]ATAACTTAACGACTACAGAAGTAGTGATGGAGAATGTAACAGCCTTCTGGGAGGAGGTCA-3'
Protein context (NP_000483.3, residues 375-395): LQKQEYKTLE[Tyr385Asn]NLTTTEVVME